The following is an entry in ClinVar:

ClinVar aggregate classification (germline): Pathogenic. Review status: criteria provided, multiple submitters, no conflicts (2 of 4 stars). 2 submissions from 2 submitters: Pathogenic (2). Last evaluated 2025-09-27.

Conditions:
Developmental and epileptic encephalopathy, 42 (DEE42A). Also called: DEVELOPMENTAL AND EPILEPTIC ENCEPHALOPATHY 42A; EPILEPTIC ENCEPHALOPATHY, EARLY INFANTILE, 42A; Epileptic encephalopathy, early infantile, 42. Identifiers: MedGen C4310716, MONDO:0014917, OMIM 617106.
Episodic ataxia type 2 (EA2). Also called: ATAXIA, EPISODIC, WITH NYSTAGMUS; ATAXIA, FAMILIAL PAROXYSMAL; CEREBELLAR ATAXIA, PAROXYSMAL, ACETAZOLAMIDE-RESPONSIVE; CEREBELLOPATHY, HEREDITARY PAROXYSMAL; EPISODIC ATAXIA, NYSTAGMUS-ASSOCIATED; ACETAZOLAMIDE-RESPONSIVE HEREDITARY PAROXYSMAL CEREBELLAR ATAXIA. Identifiers: Orphanet 97, MedGen C1720416, MONDO:0007163, OMIM 108500.

Submissions (2):

Labcorp Genetics (formerly Invitae), Labcorp
Classification: Pathogenic for Developmental and epileptic encephalopathy, 42; Episodic ataxia type 2. Last evaluated: 2025-09-27. Review status: criteria provided, single submitter. Criteria: Invitae Variant Classification Sherloc (09022015). Collection method: clinical testing. Allele origin: germline.
Comment: This variant, c.5110_5112del, results in the deletion of 1 amino acid(s) of the CACNA1A protein (p.Phe1704del), but otherwise preserves the integrity of the reading frame. This variant is not present in population databases (gnomAD no frequency). This variant has been observed in individual(s) with clinical features of CACNA1A-related conditions (internal data). In at least one individual the variant was observed to be de novo. ClinVar contains an entry for this variant (Variation ID: 1488537). For these reasons, this variant has been classified as Pathogenic.

GeneDx
Classification: Pathogenic. Last evaluated: 2024-12-22. Review status: criteria provided, single submitter. Criteria: GeneDx Variant Classification Process June 2021. Collection method: clinical testing. Allele origin: germline. Affected: yes.
Comment: In-frame deletion of 1 amino acid in a non-repeat region; Not observed at significant frequency in large population cohorts (gnomAD); In silico analysis supports a deleterious effect on protein structure/function; Has not been previously published as pathogenic or benign to our knowledge

NM_001127222.2(CACNA1A):c.5104TTC[1] (p.Phe1703del)

Gene: CACNA1A (calcium voltage-gated channel subunit alpha1 A; minus strand). Cytogenetic location: 19p13.13.
Variant type: Microsatellite.
Coding change: c.5104TTC[1] on transcript NM_001127222.2 (MANE Select); one copy of the 3-base unit TTC starting at c.5104; the reference has two copies in a row; one copy, 3 bases deleted.
Protein change: p.Phe1703del; deletes phenylalanine 1703.
Molecular consequence: inframe deletion.
Genome position (GRCh38, 1-based): chr19:13,235,233-13,235,235, GAA deleted on the plus strand (TTC on the coding strand, the reverse complement: CACNA1A is on the minus strand); deleting any 3 consecutive bases within chr19:13,235,233-13,235,240 gives the same sequence; the position shown is the placement nearest the transcript's 3' end. VCF-style (leftmost placement, unchanged base first): chr19-13235232-TGAA-T. GRCh37 (hg19) VCF-style: chr19-13346046-TGAA-T.
Other names: c.5122TTC[1], p.Phe1709del (NM_000068.4, NM_023035.3); c.5107TTC[1], p.Phe1704del (NM_001127221.2); c.5113TTC[1], p.Phe1706del (NM_001174080.2); c.5110_5112del (NM_001127221.1); short protein forms F1703del, F1704del, F1706del, F1709del.
Identifiers: ClinVar variation 1488537 (VCV001488537.7), dbSNP rs2144647916, ClinGen allele CA2580613069.